The following is an entry in ClinVar:

ClinVar aggregate classification (germline): Uncertain significance (1 of 4 stars; one submission).

Allele frequency attached by ClinVar (database versions not stated): gnomAD exomes 0.00001; ExAC 0.00002.
gnomAD v4.1: 5 of 1,612,560 alleles (0.00031%); highest among the groups gnomAD compares: Admixed American, 0.0083%; no homozygotes.

Submission:

Labcorp Genetics (formerly Invitae), Labcorp
Classification: Uncertain significance. Last evaluated: 2022-03-21. Review status: criteria provided, single submitter. Criteria: Invitae Variant Classification Sherloc (09022015). Collection method: clinical testing. Allele origin: germline.
Comment: In summary, the available evidence is currently insufficient to determine the role of this variant in disease. Therefore, it has been classified as a Variant of Uncertain Significance. Algorithms developed to predict the effect of missense changes on protein structure and function (SIFT, PolyPhen-2, Align-GVGD) all suggest that this variant is likely to be tolerated. This variant has not been reported in the literature in individuals affected with DSTYK-related conditions. This variant is present in population databases (rs779830881, gnomAD 0.02%). This sequence change replaces cysteine, which is neutral and slightly polar, with tryptophan, which is neutral and slightly polar, at codon 57 of the DSTYK protein (p.Cys57Trp).

NM_015375.3(DSTYK):c.171C>G (p.Cys57Trp)

Gene: DSTYK (dual serine/threonine and tyrosine protein kinase; minus strand). Cytogenetic location: 1q32.1.
Variant type: single nucleotide variant.
Coding change: c.171C>G on transcript NM_015375.3 (MANE Select); coding-DNA position 171, C replaced by G.
Protein change: p.Cys57Trp; replaces cysteine 57 with tryptophan.
Molecular consequence: missense variant.
Genome position (GRCh38, 1-based): chr1:205,211,365, G>C on the plus strand (C>G on the coding strand, the complement: DSTYK is on the minus strand). VCF-style: chr1-205211365-G-C. GRCh37 (hg19) VCF-style: chr1-205180493-G-C.
Other names: c.171C>G, p.Cys57Trp (NM_199462.3); short protein forms C57W.
Identifiers: ClinVar variation 2415402 (VCV002415402.6), dbSNP rs779830881, ClinGen allele CA1353111.